The following is an entry in ClinVar:

NM_000548.5(TSC2):c.4660C>A (p.Gln1554Lys)

Gene: TSC2 (TSC complex subunit 2; plus strand). Cytogenetic location: 16p13.3.
Variant type: single nucleotide variant.
Coding change: c.4660C>A on transcript NM_000548.5 (MANE Select); coding-DNA position 4660, C replaced by A.
Protein change: p.Gln1554Lys; replaces glutamine 1554 with lysine.
Molecular consequence: missense variant. On other transcripts: non-coding transcript variant (5).
Genome position (GRCh38, 1-based): chr16:2,085,320, C>A. VCF-style: chr16-2085320-C-A. GRCh37 (hg19) VCF-style: chr16-2135321-C-A.
Other names: c.4459C>A, p.Gln1487Lys (NM_001077183.3); c.4591C>A, p.Gln1531Lys (NM_001114382.3); c.4351C>A, p.Gln1451Lys (NM_001318827.2); c.4315C>A, p.Gln1439Lys (NM_001318829.2); c.3928C>A, p.Gln1310Lys (NM_001318831.2); c.4492C>A, p.Gln1498Lys (NM_001318832.2); c.4462C>A, p.Gln1488Lys (NM_001363528.2); c.4528C>A, p.Gln1510Lys (NM_001370404.1); and 26 more; short protein forms Q1039K, Q1040K, Q1062K, Q1310K, Q1354K, Q1487K, Q1494K, Q1518K.
Identifiers: ClinVar variation 2449994 (VCV002449994.3), dbSNP rs2090634528, ClinGen allele CA394305102.
Genomic context (GRCh38, chr16:2,085,320, plus strand): 5'-CTCGACCAGATCCCATCATACGACACCCACAAGATCGCCGTCCTGTATGTTGGAGAAGGC[C>A]AGGTGAGGCTGCGGGGCCGGCCTAGGTGCCTGGACAGGGCCAGCTGGGCCTCAGCCTGCA-3'
Protein context (NP_000539.2, residues 1544-1564): KIAVLYVGEG[Gln1554Lys]SNSELAILSN

ClinVar aggregate classification (germline): Uncertain significance (1 of 4 stars; one submission).

Conditions:
Hereditary cancer-predisposing syndrome. Also called: Tumor predisposition; Hereditary Cancer Syndrome; Hereditary neoplastic syndrome; Neoplastic Syndromes, Hereditary. Identifiers: Orphanet 140162, MedGen C0027672, MeSH D009386, MONDO:0015356.

Submission:

Ambry Genetics
Classification: Uncertain significance for Hereditary cancer-predisposing syndrome. Last evaluated: 2026-03-26. Review status: criteria provided, single submitter. Criteria: Ambry Variant Classification Scheme 2023. Collection method: clinical testing. Allele origin: germline.
Comment: The p.Q1554K variant (also known as c.4660C>A), located in coding exon 35 of the TSC2 gene, results from a C to A substitution at nucleotide position 4660. The glutamine at codon 1554 is replaced by lysine, an amino acid with similar properties. This variant was reported in an individual with features consistent with Tuberous sclerosis complex (Lee WS et al. Neurology, 2020 Nov;95:e2542-e2551). This amino acid position is highly conserved in available vertebrate species. In addition, this alteration is predicted to be deleterious by in silico analysis. Based on the available evidence, the clinical significance of this variant remains unclear.

Literature cited by the submitters: PubMed 32847954.